The following is an entry in ClinVar:

ClinVar aggregate classification (germline): Likely benign (1 of 4 stars; one submission).

Submission:

CeGaT Center for Human Genetics Tuebingen
Classification: Likely benign. Last evaluated: 2026-07-01. Review status: criteria provided, single submitter. Criteria: CeGaT Center For Human Genetics Tuebingen Variant Classification Criteria Version 2. Collection method: clinical testing. Allele origin: germline. Affected: yes. Observed: 1 variant allele.
Comment: COX7B: BS2

NC_000023.11:g.77910315A>G

Gene: COX7B (cytochrome c oxidase subunit 7B; plus strand). Cytogenetic location: Xq21.1.
Variant type: single nucleotide variant.
Genome position: GRCh38 VCF-style: chrX-77910315-A-G. GRCh37 (hg19) VCF-style: chrX-77165812-A-G.
Identifiers: ClinVar variation 5039438 (VCV005039438.1).